The following is an entry in ClinVar:

ClinVar aggregate classification (germline): Likely pathogenic (1 of 4 stars; one submission).

Submission:

GeneDx
Classification: Likely pathogenic. Last evaluated: 2024-12-27. Review status: criteria provided, single submitter. Criteria: GeneDx Variant Classification Process June 2021. Collection method: clinical testing. Allele origin: germline. Affected: yes.
Comment: Canonical splice site variant predicted to result in an in-frame loss of the adjacent exon in a gene for which loss of function is a known mechanism of disease; Not observed at significant frequency in large population cohorts (gnomAD); Has not been previously published as pathogenic or benign to our knowledge

NM_017909.4(RMND1):c.1317+1G>A

Gene: RMND1 (required for meiotic nuclear division 1 homolog; minus strand). Cytogenetic location: 6q25.1.
Variant type: single nucleotide variant.
Coding change: c.1317+1G>A on transcript NM_017909.4 (MANE Select); the canonical splice donor site of the intron after coding-DNA position 1317, G replaced by A.
Molecular consequence: splice donor variant.
Genome position (GRCh38, 1-based): chr6:151,405,719, C>T on the plus strand (G>A on the coding strand, the complement: RMND1 is on the minus strand). VCF-style: chr6-151405719-C-T. GRCh37 (hg19) VCF-style: chr6-151726854-C-T.
Other names: c.807+1G>A (NM_001271937.2).
Identifiers: ClinVar variation 3907970 (VCV003907970.1).
Genomic context (GRCh38, chr6:151,405,719, plus strand): 5'-ATAGCCCCTGTATTTGTGAAAAGATGGTAACTGATCATAGTACAGAGCATTTCCATCTTA[C>T]CTCTATGGTAATGAGGATGACAATCATCCACTCCAAGCGGAGTGCCCTCTTCTCATTCAG-3'